The following is an entry in ClinVar:

NM_001303052.2(MYT1L):c.1915G>A (p.Glu639Lys)

Gene: MYT1L (myelin transcription factor 1 like; minus strand). Cytogenetic location: 2p25.3.
Variant type: single nucleotide variant.
Coding change: c.1915G>A on transcript NM_001303052.2 (MANE Select); coding-DNA position 1915, G replaced by A.
Protein change: p.Glu639Lys; replaces glutamic acid 639 with lysine.
Molecular consequence: missense variant.
Genome position (GRCh38, 1-based): chr2:1,903,197, C>T on the plus strand (G>A on the coding strand, the complement: MYT1L is on the minus strand). VCF-style: chr2-1903197-C-T. GRCh37 (hg19) VCF-style: chr2-1906969-C-T.
Other names: c.1915G>A, p.Glu639Lys (NM_001329844.2, NM_001329845.1, NM_001329851.3); c.1909G>A, p.Glu637Lys (NM_001329846.3, NM_001329847.2, NM_001329848.1 and 3 more transcripts); short protein forms E637K, E639K.
Identifiers: ClinVar variation 3766089 (VCV003766089.1).

ClinVar aggregate classification (germline): Uncertain significance (1 of 4 stars; one submission).

Submission:

GeneDx
Classification: Uncertain significance. Last evaluated: 2024-09-03. Review status: criteria provided, single submitter. Criteria: GeneDx Variant Classification Process June 2021. Collection method: clinical testing. Allele origin: germline. Affected: yes.
Comment: Not observed at significant frequency in large population cohorts (gnomAD); In silico analysis supports that this missense variant has a deleterious effect on protein structure/function; Has not been previously published as pathogenic or benign to our knowledge